The following is an entry in ClinVar:

NM_000369.5(TSHR):c.1342G>A (p.Val448Ile)

Genes: TSHR-AS1 (TSHR antisense RNA 1; minus strand), TSHR (thyroid stimulating hormone receptor; plus strand). Cytogenetic location: 14q31.1.
Variant type: single nucleotide variant.
Coding change: c.1342G>A on transcript NM_000369.5 (MANE Select); coding-DNA position 1342, G replaced by A.
Protein change: p.Val448Ile; replaces valine 448 with isoleucine.
Molecular consequence: missense variant.
Genome position (GRCh38, 1-based): chr14:81,143,400, G>A. VCF-style: chr14-81143400-G-A. GRCh37 (hg19) VCF-style: chr14-81609744-G-A.
Other names: short protein forms V448I.
Identifiers: ClinVar variation 208788 (VCV000208788.9), dbSNP rs201889708, ClinGen allele CA204911.

ClinVar aggregate classification (germline): Conflicting classifications of pathogenicity. Review status: criteria provided, conflicting classifications (1 of 4 stars). 3 submissions from 3 submitters: Likely pathogenic (1); Uncertain significance (2). Last evaluated 2024-05-17.

Conditions:
Hypothyroidism due to TSH receptor mutations. Also called: Hypothyroidism, congenital, nongoitrous, 1; HYPOTHYROIDISM DUE TO UNRESPONSIVENESS TO THYROTROPIN; HYPOTHYROIDISM, CONGENITAL, DUE TO TSH RESISTANCE; HYPOTHYROIDISM, NONAUTOIMMUNE; THYROID-STIMULATING HORMONE, RESISTANCE TO; TSH RESISTANCE. Identifiers: Orphanet 90673, MedGen C3493776, MONDO:0010142, OMIM 275200.
Inborn genetic diseases. Identifiers: MedGen C0950123, MeSH D030342.

Allele frequency attached by ClinVar (database versions not stated): gnomAD 0.00003 and 0.00004; gnomAD exomes 0.00003; TOPMed 0.00003; ExAC 0.00006; 1000 Genomes Project 30x 0.00031; 1000 Genomes Project 0.00040.
gnomAD v4.1: 28 of 1,614,088 alleles (0.0017%); highest among the groups gnomAD compares: African/African-American, 0.011%; 1 homozygote.

Submissions (3):

Women's Health and Genetics/Laboratory Corporation of America, LabCorp
Classification: Uncertain significance. Last evaluated: 2024-05-17. Review status: criteria provided, single submitter. Criteria: LabCorp Variant Classification Summary - May 2015. Collection method: clinical testing. Allele origin: germline.
Comment: Variant summary: TSHR c.1342G>A (p.Val448Ile) results in a conservative amino acid change in the encoded protein sequence. Three of five in-silico tools predict a damaging effect of the variant on protein function. The variant allele was found at a frequency of 3.2e-05 in 251466 control chromosomes (gnomAD). The available data on variant occurrences in the general population are insufficient to allow any conclusion about variant significance. To our knowledge, no occurrence of c.1342G>A in individuals affected with hypothyroidism due to TSH receptor mutations and no experimental evidence demonstrating its impact on protein function have been reported. ClinVar contains an entry for this variant (Variation ID: 208788). Based on the evidence outlined above, the variant was classified as uncertain significance.

Illumina Laboratory Services, Illumina
Classification: Uncertain significance for Hypothyroidism due to TSH receptor mutations. Last evaluated: 2018-01-12. Review status: criteria provided, single submitter. Criteria: ICSL Variant Classification Criteria 13 December 2019. Collection method: clinical testing. Allele origin: germline.

Ambry Genetics
Classification: Likely pathogenic for Inborn genetic diseases. Last evaluated: 2013-12-20. Review status: criteria provided, single submitter. Criteria: Ambry Autosomal Dominant and X-Linked criteria (10/2015). Collection method: clinical testing. Allele origin: germline. Observed: 1 variant allele.